The following is an entry in ClinVar:

ClinVar aggregate classification (germline): Uncertain significance (1 of 4 stars; one submission).

Allele frequency attached by ClinVar (database versions not stated): TOPMed below 0.00001; gnomAD 0.00001; gnomAD exomes 0.00001.
gnomAD v4.1: 21 of 1,613,478 alleles (0.0013%); highest among the groups gnomAD compares: Non-Finnish European, 0.0015%; no homozygotes.

Submission:

Labcorp Genetics (formerly Invitae), Labcorp
Classification: Uncertain significance. Last evaluated: 2024-12-02. Review status: criteria provided, single submitter. Criteria: Invitae Variant Classification Sherloc (09022015). Collection method: clinical testing. Allele origin: germline.
Comment: This sequence change falls in intron 28 of the CACNA2D4 gene. It does not directly change the encoded amino acid sequence of the CACNA2D4 protein. It affects a nucleotide within the consensus splice site. This variant is not present in population databases (gnomAD no frequency). This variant has not been reported in the literature in individuals affected with CACNA2D4-related conditions. ClinVar contains an entry for this variant (Variation ID: 1019688). Variants that disrupt the consensus splice site are a relatively common cause of aberrant splicing (PMID: 17576681, 9536098). Algorithms developed to predict the effect of sequence changes on RNA splicing suggest that this variant is not likely to affect RNA splicing. In summary, the available evidence is currently insufficient to determine the role of this variant in disease. Therefore, it has been classified as a Variant of Uncertain Significance.

Literature cited by the submitters: PubMed 17576681; PubMed 9536098.

NM_172364.5(CACNA2D4):c.2659-3C>T

Gene: CACNA2D4 (calcium voltage-gated channel auxiliary subunit alpha2delta 4; minus strand). Cytogenetic location: 12p13.33.
Variant type: single nucleotide variant.
Coding change: c.2659-3C>T on transcript NM_172364.5 (MANE Select); 3 bases into the intron before coding-DNA position 2659, C replaced by T.
Molecular consequence: intron variant.
Genome position (GRCh38, 1-based): chr12:1,810,343, G>A on the plus strand (C>T on the coding strand, the complement: CACNA2D4 is on the minus strand). VCF-style: chr12-1810343-G-A. GRCh37 (hg19) VCF-style: chr12-1919509-G-A.
Identifiers: ClinVar variation 1019688 (VCV001019688.8), dbSNP rs976440572, ClinGen allele CA231529650.